The following is an entry in ClinVar:

NM_001903.5(CTNNA1):c.961G>T (p.Asp321Tyr)

Gene: CTNNA1 (catenin alpha 1; plus strand). Cytogenetic location: 5q31.2.
Variant type: single nucleotide variant.
Coding change: c.961G>T on transcript NM_001903.5 (MANE Select); coding-DNA position 961, G replaced by T.
Protein change: p.Asp321Tyr; replaces aspartic acid 321 with tyrosine.
Molecular consequence: missense variant.
Genome position (GRCh38, 1-based): chr5:138,827,617, G>T. VCF-style: chr5-138827617-G-T. GRCh37 (hg19) VCF-style: chr5-138163306-G-T.
Other names: c.961G>T, p.Asp321Tyr (NM_001290307.3, NM_001323982.2, NM_001323983.1 and 3 more transcripts); c.652G>T, p.Asp218Tyr (NM_001290309.3); c.592G>T, p.Asp198Tyr (NM_001290310.3); short protein forms D218Y, D198Y, D321Y.
Identifiers: ClinVar variation 2563276 (VCV002563276.5), dbSNP rs1760851474, ClinGen allele CA361130986.

ClinVar aggregate classification (germline): Uncertain significance. Review status: criteria provided, multiple submitters, no conflicts (2 of 4 stars). 2 submissions from 2 submitters: Uncertain significance (2). Last evaluated 2023-07-30.

Conditions:
Hereditary cancer-predisposing syndrome. Also called: Neoplastic Syndromes, Hereditary; Hereditary Cancer Syndrome; Hereditary neoplastic syndrome; Tumor predisposition. Identifiers: Orphanet 140162, MedGen C0027672, MeSH D009386, MONDO:0015356.

Submissions (2):

Labcorp Genetics (formerly Invitae), Labcorp
Classification: Uncertain significance. Last evaluated: 2023-07-30. Review status: criteria provided, single submitter. Criteria: Invitae Variant Classification Sherloc (09022015). Collection method: clinical testing. Allele origin: germline.
Comment: In summary, the available evidence is currently insufficient to determine the role of this variant in disease. Therefore, it has been classified as a Variant of Uncertain Significance. Advanced modeling of protein sequence and biophysical properties (such as structural, functional, and spatial information, amino acid conservation, physicochemical variation, residue mobility, and thermodynamic stability) performed at Invitae indicates that this missense variant is expected to disrupt CTNNA1 protein function. ClinVar contains an entry for this variant (Variation ID: 2563276). This variant has not been reported in the literature in individuals affected with CTNNA1-related conditions. This variant is not present in population databases (gnomAD no frequency). This sequence change replaces aspartic acid, which is acidic and polar, with tyrosine, which is neutral and polar, at codon 321 of the CTNNA1 protein (p.Asp321Tyr).

Ambry Genetics
Classification: Uncertain significance for Hereditary cancer-predisposing syndrome. Last evaluated: 2023-04-18. Review status: criteria provided, single submitter. Criteria: Ambry Variant Classification Scheme 2023. Collection method: clinical testing. Allele origin: germline.
Comment: The p.D321Y variant (also known as c.961G>T), located in coding exon 6 of the CTNNA1 gene, results from a G to T substitution at nucleotide position 961. The aspartic acid at codon 321 is replaced by tyrosine, an amino acid with highly dissimilar properties. This amino acid position is conserved. In addition, this alteration is predicted to be deleterious by in silico analysis. Since supporting evidence is limited at this time, the clinical significance of this alteration remains unclear.